The following is an entry in ClinVar:

ClinVar aggregate classification (germline): Uncertain significance (1 of 4 stars; one submission).

gnomAD v4.1: 2 of 1,614,172 alleles (0.00012%); highest among the groups gnomAD compares: Admixed American, 0.0017%; no homozygotes.

Submission:

Labcorp Genetics (formerly Invitae), Labcorp
Classification: Uncertain significance. Last evaluated: 2024-01-22. Review status: criteria provided, single submitter. Criteria: Invitae Variant Classification Sherloc (09022015). Collection method: clinical testing. Allele origin: germline.
Comment: This sequence change replaces cysteine, which is neutral and slightly polar, with tyrosine, which is neutral and polar, at codon 310 of the EIF2B3 protein (p.Cys310Tyr). This variant is present in population databases (no rsID available, gnomAD 0.003%). This variant has not been reported in the literature in individuals affected with EIF2B3-related conditions. ClinVar contains an entry for this variant (Variation ID: 1359614). Advanced modeling of protein sequence and biophysical properties (such as structural, functional, and spatial information, amino acid conservation, physicochemical variation, residue mobility, and thermodynamic stability) performed at Invitae indicates that this missense variant is expected to disrupt EIF2B3 protein function with a positive predictive value of 80%. In summary, the available evidence is currently insufficient to determine the role of this variant in disease. Therefore, it has been classified as a Variant of Uncertain Significance.

NM_020365.5(EIF2B3):c.929G>A (p.Cys310Tyr)

Gene: EIF2B3 (eukaryotic translation initiation factor 2B subunit gamma; minus strand). Cytogenetic location: 1p34.1.
Variant type: single nucleotide variant.
Coding change: c.929G>A on transcript NM_020365.5 (MANE Select); coding-DNA position 929, G replaced by A.
Protein change: p.Cys310Tyr; replaces cysteine 310 with tyrosine.
Molecular consequence: missense variant.
Genome position (GRCh38, 1-based): chr1:44,879,864, C>T on the plus strand (G>A on the coding strand, the complement: EIF2B3 is on the minus strand). VCF-style: chr1-44879864-C-T. GRCh37 (hg19) VCF-style: chr1-45345536-C-T.
Other names: c.929G>A, p.Cys310Tyr (NM_001166588.3, NM_001261418.2); short protein forms C310Y.
Identifiers: ClinVar variation 1359614 (VCV001359614.6), dbSNP rs747128213, ClinGen allele CA340119075.